The following is an entry in ClinVar:

ClinVar aggregate classification (germline): Benign/Likely benign. Review status: criteria provided, multiple submitters, no conflicts (2 of 4 stars). 5 submissions from 5 submitters: Benign (3); Likely benign (2). Last evaluated 2026-06-01.

Allele frequency attached by ClinVar (database versions not stated): ExAC 0.00321; 1000 Genomes Project 0.00359; 1000 Genomes Project 30x 0.00375; gnomAD exomes 0.00386 and 0.00529; TOPMed 0.00399; gnomAD 0.00415 and 0.00428; ESP Exome Variant Server 0.00548.
gnomAD v4.1: 8,056 of 1,551,946 alleles (0.52%); highest among the groups gnomAD compares: Non-Finnish European, 0.59%; 26 homozygotes.

Submissions (5):

CeGaT Center for Human Genetics Tuebingen
Classification: Likely benign. Last evaluated: 2026-06-01. Review status: criteria provided, single submitter. Criteria: CeGaT Center For Human Genetics Tuebingen Variant Classification Criteria Version 2. Collection method: clinical testing. Allele origin: germline. Affected: yes. Observed: 17 variant alleles.
Comment: TENM4: BP4, BP7, BS2

Blueprint Genetics
Classification: Likely benign. Last evaluated: 2024-11-27. Review status: criteria provided, single submitter. Criteria: ACMG Guidelines, 2015. Collection method: clinical testing. Allele origin: germline.

Mayo Clinic Laboratories, Mayo Clinic
Classification: Benign. Last evaluated: 2024-07-16. Review status: criteria provided, single submitter. Criteria: ACMG Guidelines, 2015. Collection method: clinical testing. Allele origin: germline. Observed: 6 variant alleles.
Comment: BS1, BS2, BP4, BP7

Labcorp Genetics (formerly Invitae), Labcorp
Classification: Benign. Last evaluated: 2019-12-31. Review status: criteria provided, single submitter. Criteria: Invitae Variant Classification Sherloc (09022015). Collection method: clinical testing. Allele origin: germline.

Breakthrough Genomics
Classification: Benign. Review status: criteria provided, single submitter. Criteria: ACMG Guidelines, 2015. Collection method: not provided. Allele origin: germline. Inheritance: Autosomal dominant inheritance. Affected: yes.

NM_001098816.3(TENM4):c.1869C>T (p.Cys623=)

Gene: TENM4 (teneurin transmembrane protein 4; minus strand). Cytogenetic location: 11q14.1.
Variant type: single nucleotide variant.
Coding change: c.1869C>T on transcript NM_001098816.3 (MANE Select); coding-DNA position 1869, C replaced by T.
Protein change: p.Cys623=; no amino-acid change (cysteine 623 retained).
Molecular consequence: synonymous variant.
Genome position (GRCh38, 1-based): chr11:78,812,231, G>A on the plus strand (C>T on the coding strand, the complement: TENM4 is on the minus strand). VCF-style: chr11-78812231-G-A. GRCh37 (hg19) VCF-style: chr11-78523276-G-A.
Other names: p.Cys623=.
Identifiers: ClinVar variation 774698 (VCV000774698.30), dbSNP rs34791547, ClinGen allele CA6207491.